The following is an entry in ClinVar:

NM_178170.3(NEK8):c.47+1del

Gene: NEK8 (NIMA related kinase 8; plus strand). Cytogenetic location: 17q11.2.
Variant type: Deletion.
Coding change: c.47+1del on transcript NM_178170.3 (MANE Select); the canonical splice donor site of the intron after coding-DNA position 47, one base deleted (G; older notation c.47+1delG).
Molecular consequence: splice donor variant.
Genome position (GRCh38, 1-based): chr17:28,728,861, G deleted; the last of 3 consecutive G bases (chr17:28,728,859-28,728,861); deleting any one gives the same sequence. VCF-style (leftmost placement, unchanged base first): chr17-28728858-CG-C. GRCh37 (hg19) VCF-style: chr17-27055876-CG-C.
Identifiers: ClinVar variation 189238 (VCV000189238.5), dbSNP rs786204782, ClinGen allele CA199167.
Genomic context (GRCh38, chr17:28,728,858, plus strand): 5'-AACTCTAAGAAATGAGATGGAGAAGTACGAGCGGATCCGAGTGGTGGGGAGAGGTGCCTT[CG>C]GGTGAGCCAGGGCTCTGGGGGAGGAAACTGCTAGGGGATAGGGAAAATAAGCCCCAATTC-3'

ClinVar aggregate classification (germline): Conflicting classifications of pathogenicity. Review status: criteria provided, conflicting classifications (1 of 4 stars). 2 submissions from 2 submitters: Likely pathogenic (1); Uncertain significance (1). Last evaluated 2026-04-09.

Submissions (2):

GeneDx
Classification: Likely pathogenic. Last evaluated: 2026-04-09. Review status: criteria provided, single submitter. Criteria: GeneDx Variant Classification Process June 2021. Collection method: clinical testing. Allele origin: germline.
Comment: Canonical splice site variant predicted to result in a null allele in a gene for which loss of function is a known mechanism of disease; Has not been previously published as pathogenic or benign to our knowledge

Laboratory for Molecular Medicine, Mass General Brigham Personalized Medicine
Classification: Uncertain significance. Last evaluated: 2014-06-24. Review status: criteria provided, single submitter. Criteria: LMM Criteria. Collection method: clinical testing. Allele origin: germline. Observed: 1 variant allele. Study: CSER-MedSeq.
Comment: The 41+1delG variant in NEK8 has not been reported in individuals with renal-hepatic-pancreatic dysplasia type 2 but has been identified in 0.03% (2/7616) of European Americans by the NHLBI Exome Sequencing Project. This variant occurs in the invariant region (+/- 1,2) of the splice consensus sequence and is predicted to cause altered splicing leading to an abnormal or absent protein. A nonsense variant resulting in complete loss of NEK8 function has been previously described in 1 homozygous individual with enlarged cystic kidneys, liver, and pancreas, developmental heart disease, and skeletal deformities, and was found to segregate with disease in 2 affected homozygous siblings (Frank 2013). Similarly, a Nek8 knockout mouse model exhibited randomization of left-right assymetry, cardiac anomalies, and glomerular cystic kidneys (Manning 2013). In summary, while the case report and mouse model indicate complete loss of NEK8 function is likely to be causative for renal-hepatic-pancreatic dysplasia 2, more data is needed to prove the gene-disease association before loss of function variants such as 47+1delG can be interpreted fully.

Literature cited by the submitters: PubMed 23274954 (cited by Laboratory for Molecular Medicine, Mass General Brigham Personalized Medicine); PubMed 23418306 (cited by Laboratory for Molecular Medicine, Mass General Brigham Personalized Medicine).